The following is an entry in ClinVar:

NM_002439.5(MSH3):c.1379A>C (p.Asn460Thr)

Gene: MSH3 (mutS homolog 3; plus strand). Cytogenetic location: 5q14.1.
Variant type: single nucleotide variant.
Coding change: c.1379A>C on transcript NM_002439.5 (MANE Select); coding-DNA position 1379, A replaced by C.
Protein change: p.Asn460Thr; replaces asparagine 460 with threonine.
Molecular consequence: missense variant.
Genome position (GRCh38, 1-based): chr5:80,725,491, A>C. VCF-style: chr5-80725491-A-C. GRCh37 (hg19) VCF-style: chr5-80021310-A-C.
Other names: short protein forms N460T.
Identifiers: ClinVar variation 853475 (VCV000853475.11), dbSNP rs373930327, ClinGen allele CA3327892.

ClinVar aggregate classification (germline): Uncertain significance. Review status: criteria provided, multiple submitters, no conflicts (2 of 4 stars). 2 submissions from 2 submitters: Uncertain significance (2). Last evaluated 2025-12-10.

Conditions:
Hereditary cancer-predisposing syndrome. Also called: Neoplastic Syndromes, Hereditary; Hereditary Cancer Syndrome; Tumor predisposition; Hereditary neoplastic syndrome. Identifiers: Orphanet 140162, MedGen C0027672, MeSH D009386, MONDO:0015356.

Allele frequency attached by ClinVar (database versions not stated): gnomAD 0.00001; gnomAD exomes 0.00001; TOPMed 0.00001; ExAC 0.00002; ESP Exome Variant Server 0.00008.
gnomAD v4.1: 9 of 1,613,914 alleles (0.00056%); highest among the groups gnomAD compares: African/African-American, 0.0013%; no homozygotes.

Submissions (2):

Labcorp Genetics (formerly Invitae), Labcorp
Classification: Uncertain significance. Last evaluated: 2025-12-10. Review status: criteria provided, single submitter. Criteria: Invitae Variant Classification Sherloc (09022015). Collection method: clinical testing. Allele origin: germline.
Comment: This sequence change replaces asparagine, which is neutral and polar, with threonine, which is neutral and polar, at codon 460 of the MSH3 protein (p.Asn460Thr). This variant is present in population databases (rs373930327, gnomAD 0.002%). This variant has not been reported in the literature in individuals affected with MSH3-related conditions. ClinVar contains an entry for this variant (Variation ID: 853475). An algorithm developed to predict the effect of missense changes on protein structure and function (PolyPhen-2) suggests that this variant is likely to be tolerated. In summary, the available evidence is currently insufficient to determine the role of this variant in disease. Therefore, it has been classified as a Variant of Uncertain Significance.

Ambry Genetics
Classification: Uncertain significance for Hereditary cancer-predisposing syndrome. Last evaluated: 2025-08-27. Review status: criteria provided, single submitter. Criteria: Ambry Variant Classification Scheme 2023. Collection method: clinical testing. Allele origin: germline.
Comment: The p.N460T variant (also known as c.1379A>C), located in coding exon 9 of the MSH3 gene, results from an A to C substitution at nucleotide position 1379. The asparagine at codon 460 is replaced by threonine, an amino acid with similar properties. This amino acid position is conserved. In addition, this alteration is predicted to be tolerated by in silico analysis. Since supporting evidence is limited at this time, the clinical significance of this alteration remains unclear.